The following is an entry in ClinVar:

ClinVar aggregate classification (germline): Likely benign (1 of 4 stars; one submission).

Conditions:
EP300-related disorder. Also called: EP300-related condition; EP300-related disorders.

gnomAD v4.1: 1 of 1,614,080 alleles (0.000062%); highest among the groups gnomAD compares: African/African-American, 0.0013%; no homozygotes.

Submission:

PreventionGenetics, part of Exact Sciences
Classification: Likely benign for EP300-related condition. Last evaluated: 2025-12-10. Review status: criteria provided, single submitter. Criteria: ACMG Guidelines, 2015. Collection method: clinical testing. Allele origin: germline.
Comment: This variant is classified as likely benign based on ACMG/AMP sequence variant interpretation guidelines (Richards et al. 2015 PMID: 25741868, with internal and published modifications).

NM_001429.4(EP300):c.3477C>T (p.Ser1159=)

Gene: EP300 (EP300 lysine acetyltransferase; plus strand). Cytogenetic location: 22q13.2.
Variant type: single nucleotide variant.
Coding change: c.3477C>T on transcript NM_001429.4 (MANE Select); coding-DNA position 3477, C replaced by T.
Protein change: p.Ser1159=; no amino-acid change (serine 1159 retained).
Molecular consequence: synonymous variant.
Genome position (GRCh38, 1-based): chr22:41,157,384, C>T. VCF-style: chr22-41157384-C-T. GRCh37 (hg19) VCF-style: chr22-41553388-C-T.
Other names: c.3399C>T, p.Ser1133= (NM_001362843.2).
Identifiers: ClinVar variation 4993390 (VCV004993390.1).
Genomic context (GRCh38, chr22:41,157,384, plus strand): 5'-CAAATACTGCTCCAAGCTCTCTGAGGTCTTTGAACAAGAAATTGACCCAGTGATGCAAAG[C>T]CTTGGATACTGTTGTGGCAGAAAGGTAAGAAATGTGTTTCAGATTTGACTTTAACTTTTC-3'
Protein context (NP_001420.2, residues 1149-1169): FEQEIDPVMQ[Ser1159=]LGYCCGRKLE